The following is an entry in ClinVar:

ClinVar aggregate classification (germline): Uncertain significance (1 of 4 stars; one submission).

Submission:

GeneDx
Classification: Uncertain significance. Last evaluated: 2025-01-27. Review status: criteria provided, single submitter. Criteria: GeneDx Variant Classification Process June 2021. Collection method: clinical testing. Allele origin: germline. Affected: yes.
Comment: Not observed at significant frequency in large population cohorts (gnomAD); In silico analysis supports that this missense variant has a deleterious effect on protein structure/function; Has not been previously published as pathogenic or benign to our knowledge; This variant is associated with the following publications: (PMID: 27535533)

NM_006922.4(SCN3A):c.3259G>A (p.Glu1087Lys)

Gene: SCN3A (sodium voltage-gated channel alpha subunit 3; minus strand). Cytogenetic location: 2q24.3.
Variant type: single nucleotide variant.
Coding change: c.3259G>A on transcript NM_006922.4 (MANE Select); coding-DNA position 3259, G replaced by A.
Protein change: p.Glu1087Lys; replaces glutamic acid 1087 with lysine.
Molecular consequence: missense variant.
Genome position (GRCh38, 1-based): chr2:165,127,765, C>T on the plus strand (G>A on the coding strand, the complement: SCN3A is on the minus strand). VCF-style: chr2-165127765-C-T. GRCh37 (hg19) VCF-style: chr2-165984275-C-T.
Other names: c.3112G>A, p.Glu1038Lys (NM_001081676.2, NM_001081677.2); short protein forms E1038K, E1087K.
Identifiers: ClinVar variation 4071584 (VCV004071584.1).